The following is an entry in ClinVar:

NM_005257.6(GATA6):c.524C>T (p.Ala175Val)

Gene: GATA6 (GATA binding protein 6; plus strand). Cytogenetic location: 18q11.2.
Variant type: single nucleotide variant.
Coding change: c.524C>T on transcript NM_005257.6 (MANE Select); coding-DNA position 524, C replaced by T.
Protein change: p.Ala175Val; replaces alanine 175 with valine.
Molecular consequence: missense variant.
Genome position (GRCh38, 1-based): chr18:22,171,668, C>T. VCF-style: chr18-22171668-C-T. GRCh37 (hg19) VCF-style: chr18-19751629-C-T.
Other names: short protein forms A175V.
Identifiers: ClinVar variation 1987954 (VCV001987954.4), dbSNP rs1254563932, ClinGen allele CA401799846.

ClinVar aggregate classification (germline): Uncertain significance (1 of 4 stars; one submission).

Conditions:
Atrioventricular septal defect 5 (AVSD5). Identifiers: MedGen C3280939, MONDO:0013769, OMIM 614474.

Allele frequency attached by ClinVar (database versions not stated): gnomAD exomes below 0.00001; gnomAD 0.00001; TOPMed 0.00001.

Submission:

Labcorp Genetics (formerly Invitae), Labcorp
Classification: Uncertain significance for Atrioventricular septal defect 5. Last evaluated: 2025-08-13. Review status: criteria provided, single submitter. Criteria: Invitae Variant Classification Sherloc (09022015). Collection method: clinical testing. Allele origin: germline.
Comment: This sequence change replaces alanine, which is neutral and non-polar, with valine, which is neutral and non-polar, at codon 175 of the GATA6 protein (p.Ala175Val). This variant is not present in population databases (gnomAD no frequency). This variant has not been reported in the literature in individuals affected with GATA6-related conditions. ClinVar contains an entry for this variant (Variation ID: 1987954). An algorithm developed to predict the effect of missense changes on protein structure and function (PolyPhen-2) suggests that this variant is likely to be disruptive. In summary, the available evidence is currently insufficient to determine the role of this variant in disease. Therefore, it has been classified as a Variant of Uncertain Significance.